The following is an entry in ClinVar:

ClinVar aggregate classification (germline): Uncertain significance (1 of 4 stars; one submission).

Conditions:
Werner syndrome (WRN). Identifiers: Orphanet 902, MedGen C0043119, MONDO:0010196, OMIM 277700.

Submission:

Labcorp Genetics (formerly Invitae), Labcorp
Classification: Uncertain significance for Werner syndrome. Last evaluated: 2025-08-13. Review status: criteria provided, single submitter. Criteria: Invitae Variant Classification Sherloc (09022015). Collection method: clinical testing. Allele origin: germline.
Comment: This sequence change replaces glycine, which is neutral and non-polar, with cysteine, which is neutral and slightly polar, at codon 688 of the WRN protein (p.Gly688Cys). This variant is not present in population databases (gnomAD no frequency). This variant has not been reported in the literature in individuals affected with WRN-related conditions. An algorithm developed to predict the effect of missense changes on protein structure and function outputs the following: PolyPhen-2: "Possibly Damaging". The cysteine amino acid residue is found in multiple mammalian species, which suggests that this missense change does not adversely affect protein function. In summary, the available evidence is currently insufficient to determine the role of this variant in disease. Therefore, it has been classified as a Variant of Uncertain Significance.

NM_000553.6(WRN):c.2062G>T (p.Gly688Cys)

Gene: WRN (WRN RecQ like helicase; plus strand). Cytogenetic location: 8p12.
Variant type: single nucleotide variant.
Coding change: c.2062G>T on transcript NM_000553.6 (MANE Select); coding-DNA position 2062, G replaced by T.
Protein change: p.Gly688Cys; replaces glycine 688 with cysteine.
Molecular consequence: missense variant.
Genome position (GRCh38, 1-based): chr8:31,100,929, G>T. VCF-style: chr8-31100929-G-T. GRCh37 (hg19) VCF-style: chr8-30958445-G-T.
Other names: short protein forms G688C.
Identifiers: ClinVar variation 4725399 (VCV004725399.1).
Genomic context (GRCh38, chr8:31,100,929, plus strand): 5'-GATGAGGCTCACTGTATTTCTGAGTGGGGGCATGATTTTAGGGATTCATTCAGGAAGTTG[G>T]GCTCCCTAAAGACAGCACTGCCAATGGTAAGCTTTGCCAAGTCTGATGTCCCGAAATTAC-3'
Protein context (NP_000544.2, residues 678-698): HDFRDSFRKL[Gly688Cys]SLKTALPMVP